The following is an entry in ClinVar:

ClinVar aggregate classification (germline): Uncertain significance. Review status: criteria provided, multiple submitters, no conflicts (2 of 4 stars). 2 submissions from 2 submitters: Uncertain significance (2). Last evaluated 2023-09-27.

Conditions:
Spastic paraplegia. Identifiers: MedGen C0037772, HP:0001258.

Allele frequency attached by ClinVar (database versions not stated): gnomAD exomes below 0.00001 and 0.00001.
gnomAD v4.1: 17 of 1,614,066 alleles (0.0011%); highest among the groups gnomAD compares: Non-Finnish European, 0.0014%; no homozygotes.

Submissions (2):

Labcorp Genetics (formerly Invitae), Labcorp
Classification: Uncertain significance for Spastic paraplegia. Last evaluated: 2023-09-27. Review status: criteria provided, single submitter. Criteria: Invitae Variant Classification Sherloc (09022015). Collection method: clinical testing. Allele origin: germline.
Comment: In summary, the available evidence is currently insufficient to determine the role of this variant in disease. Therefore, it has been classified as a Variant of Uncertain Significance. Advanced modeling of protein sequence and biophysical properties (such as structural, functional, and spatial information, amino acid conservation, physicochemical variation, residue mobility, and thermodynamic stability) performed at Invitae indicates that this missense variant is expected to disrupt GBA2 protein function. ClinVar contains an entry for this variant (Variation ID: 989074). This variant has not been reported in the literature in individuals affected with GBA2-related conditions. This variant is present in population databases (no rsID available, gnomAD 0.0009%). This sequence change replaces leucine, which is neutral and non-polar, with proline, which is neutral and non-polar, at codon 206 of the GBA2 protein (p.Leu206Pro).

Paris Brain Institute, Inserm - ICM
Classification: Uncertain significance for Spastic paraplegia. Review status: criteria provided, single submitter. Criteria: ACMG Guidelines, 2015. Collection method: clinical testing. Allele origin: unknown. Affected: yes. Observed: 1 variant allele.

NM_020944.3(GBA2):c.617T>C (p.Leu206Pro)

Gene: GBA2 (glucosylceramidase beta 2; minus strand). Cytogenetic location: 9p13.3.
Variant type: single nucleotide variant.
Coding change: c.617T>C on transcript NM_020944.3 (MANE Select); coding-DNA position 617, T replaced by C.
Protein change: p.Leu206Pro; replaces leucine 206 with proline.
Molecular consequence: missense variant.
Genome position (GRCh38, 1-based): chr9:35,741,841, A>G on the plus strand (T>C on the coding strand, the complement: GBA2 is on the minus strand). VCF-style: chr9-35741841-A-G. GRCh37 (hg19) VCF-style: chr9-35741838-A-G.
Other names: c.617T>C, p.Leu206Pro (NM_001330660.2); short protein forms L206P.
Identifiers: ClinVar variation 989074 (VCV000989074.4), dbSNP rs1160145071, ClinGen allele CA373417034.